The following is an entry in ClinVar:

ClinVar aggregate classification (germline): Uncertain significance (1 of 4 stars; one submission).

Submission:

GeneDx
Classification: Uncertain significance. Last evaluated: 2025-06-20. Review status: criteria provided, single submitter. Criteria: GeneDx Variant Classification Process June 2021. Collection method: clinical testing. Allele origin: germline. Affected: yes.
Comment: Not observed at significant frequency in large population cohorts (gnomAD); In silico analysis supports that this missense variant has a deleterious effect on protein structure/function; Has not been previously published as pathogenic or benign to our knowledge

NM_000384.3(APOB):c.10685T>C (p.Leu3562Pro)

Gene: APOB (apolipoprotein B; minus strand). Cytogenetic location: 2p24.1.
Variant type: single nucleotide variant.
Coding change: c.10685T>C on transcript NM_000384.3 (MANE Select); coding-DNA position 10685, T replaced by C.
Protein change: p.Leu3562Pro; replaces leucine 3562 with proline.
Molecular consequence: missense variant.
Genome position (GRCh38, 1-based): chr2:21,006,183, A>G on the plus strand (T>C on the coding strand, the complement: APOB is on the minus strand). VCF-style: chr2-21006183-A-G. GRCh37 (hg19) VCF-style: chr2-21229055-A-G.
Other names: short protein forms L3562P.
Identifiers: ClinVar variation 4538952 (VCV004538952.1).